The following is an entry in ClinVar:

NM_006231.4(POLE):c.6109G>C (p.Ala2037Pro)

Gene: POLE (DNA polymerase epsilon, catalytic subunit; minus strand). Cytogenetic location: 12q24.33.
Variant type: single nucleotide variant.
Coding change: c.6109G>C on transcript NM_006231.4 (MANE Select); coding-DNA position 6109, G replaced by C.
Protein change: p.Ala2037Pro; replaces alanine 2037 with proline.
Molecular consequence: missense variant.
Genome position (GRCh38, 1-based): chr12:132,632,691, C>G on the plus strand (G>C on the coding strand, the complement: POLE is on the minus strand). VCF-style: chr12-132632691-C-G. GRCh37 (hg19) VCF-style: chr12-133209277-C-G.
Other names: short protein forms A2037P.
Identifiers: ClinVar variation 4862266 (VCV004862266.1).

ClinVar aggregate classification (germline): Uncertain significance (1 of 4 stars; one submission).

Conditions:
Hereditary cancer-predisposing syndrome. Also called: Neoplastic Syndromes, Hereditary; Tumor predisposition; Hereditary Cancer Syndrome; Hereditary neoplastic syndrome. Identifiers: Orphanet 140162, MedGen C0027672, MeSH D009386, MONDO:0015356.

gnomAD v4.1: 3 of 1,613,908 alleles (0.00019%); highest among the groups gnomAD compares: Admixed American, 0.005%; no homozygotes.

Submission:

Ambry Genetics
Classification: Uncertain significance for Hereditary cancer-predisposing syndrome. Last evaluated: 2026-04-05. Review status: criteria provided, single submitter. Criteria: Ambry Variant Classification Scheme 2023. Collection method: clinical testing. Allele origin: germline.
Comment: The p.A2037P variant (also known as c.6109G>C), located in coding exon 44 of the POLE gene, results from a G to C substitution at nucleotide position 6109. The alanine at codon 2037 is replaced by proline, an amino acid with highly similar properties. This amino acid position is conserved. In addition, this alteration is predicted to be tolerated by in silico analysis. Based on the available evidence, the clinical significance of this variant remains unclear.